The following is an entry in ClinVar:

ClinVar aggregate classification (germline): Pathogenic (1 of 4 stars; one submission).

Conditions:
Hereditary nonpolyposis colorectal neoplasms. Identifiers: MedGen C0009405, MeSH D003123.

Submission:

Labcorp Genetics (formerly Invitae), Labcorp
Classification: Pathogenic for Hereditary nonpolyposis colorectal neoplasms. Last evaluated: 2019-01-02. Review status: criteria provided, single submitter. Criteria: Invitae Variant Classification Sherloc (09022015). Collection method: clinical testing. Allele origin: germline.
Comment: This variant is a gross deletion of the genomic region encompassing exons 9-15 of the PMS2 gene. The 5' boundary is likely confined to intron 8. The 3' end of this event is unknown as it extends through the termination codon beyond the assayed region for this gene and may encompass additional genes. While this deletion is not anticipated to result in nonsense mediated decay, it is expected to create a truncated protein product or disrupt mRNA translation. Similar deletions of exons 9-15 have been observed in an individual affected with Lynch syndrome (PMID: 21618646), an individual affected with colorectal cancer (PMID: 17258725), and an individual affected with constitutional mismatch repair deficiency (PMID: 23629955).¬†ClinVar contains an entry for this variant (Variation ID: 455093). Sub-genic deletion of exons 14-15 disrupting the C-terminal portion of the MLH1 interaction domain required for PMS2-MLH1 dimerization (PMID: 10037723) and mismatch repair activity (PMID: 16338176, 20533529) has been determined to be pathogenic (PMID: 21618646, 24440087, 26318770,¬†Invitae).¬†Therefore, deletions that fully encompass that region are also expected to be pathogenic. For these reasons, this variant has been classified as Pathogenic.

Literature cited by the submitters: PubMed 21618646; PubMed 17258725; PubMed 23629955; PubMed 10037723; PubMed 16338176; PubMed 20533529; PubMed 24440087; PubMed 26318770.

NC_000007.13:g.(?_6013020)_6031698del

Gene: PMS2 (PMS1 homolog 2, mismatch repair system component; minus strand).
Variant type: Deletion.
Identifiers: ClinVar variation 1069161 (VCV001069161.2).